The following is an entry in ClinVar:

ClinVar aggregate classification (germline): Pathogenic (1 of 4 stars; one submission).

Conditions:
Joubert syndrome. Also called: CEREBELLOPARENCHYMAL DISORDER IV; JOUBERT-BOLTSHAUSER SYNDROME; Familial aplasia of the vermis. Identifiers: Orphanet 475, MedGen C5979921, MONDO:0018772.
Meckel-Gruber syndrome. Also called: DYSENCEPHALIA SPLANCHNOCYSTICA; GRUBER SYNDROME; Dysencephalia splachnocystica. Identifiers: Orphanet 564, MedGen C0265215, MONDO:0018921.

Submission:

Labcorp Genetics (formerly Invitae), Labcorp
Classification: Pathogenic for Joubert syndrome; Meckel-Gruber syndrome. Last evaluated: 2022-03-20. Review status: criteria provided, single submitter. Criteria: Invitae Variant Classification Sherloc (09022015). Collection method: clinical testing. Allele origin: germline.
Comment: For these reasons, this variant has been classified as Pathogenic. This variant has not been reported in the literature in individuals affected with TMEM67-related conditions. A gross deletion of the genomic region encompassing the full coding sequence of the TMEM67 gene has been identified. Loss-of-function variants in TMEM67 are known to be pathogenic (PMID: 20232449, 23559409). The boundaries of this event are unknown as they extend beyond the assayed region for this gene and therefore may encompass additional genes.

Literature cited by the submitters: PubMed 20232449; PubMed 23559409.

NC_000008.10:g.(?_94767143)_(94935901_?)del

Genes: PDP1 (pyruvate dehydrogenase phosphatase catalytic subunit 1; plus strand), TMEM67 (transmembrane protein 67; plus strand). Cytogenetic location: 8q22.1.
Variant type: Deletion.
Identifiers: ClinVar variation 2427439 (VCV002427439.3).